The following is an entry in ClinVar:

NM_001903.5(CTNNA1):c.90G>A (p.Glu30=)

Gene: CTNNA1 (catenin alpha 1; plus strand). Cytogenetic location: 5q31.2.
Variant type: single nucleotide variant.
Coding change: c.90G>A on transcript NM_001903.5 (MANE Select); coding-DNA position 90, G replaced by A.
Protein change: p.Glu30=; no amino-acid change (glutamic acid 30 retained).
Molecular consequence: synonymous variant. On other transcripts: 5 prime UTR variant (2).
Genome position (GRCh38, 1-based): chr5:138,782,014, G>A. VCF-style: chr5-138782014-G-A. GRCh37 (hg19) VCF-style: chr5-138117703-G-A.
Other names: c.90G>A, p.Glu30= (NM_001290307.3, NM_001323982.2, NM_001323983.1 and 3 more transcripts); c.-24G>A (NM_001290309.3); c.-117G>A (NM_001290310.3); c.90G>A (NM_001903.2).
Identifiers: ClinVar variation 1648132 (VCV001648132.10), dbSNP rs1755165264, ClinGen allele CA446724877.

ClinVar aggregate classification (germline): Benign/Likely benign. Review status: criteria provided, multiple submitters, no conflicts (2 of 4 stars). 3 submissions from 3 submitters: Benign (1); Likely benign (2). Last evaluated 2026-01-27.

Conditions:
Hereditary cancer-predisposing syndrome. Also called: Tumor predisposition; Hereditary Cancer Syndrome; Hereditary neoplastic syndrome; Neoplastic Syndromes, Hereditary. Identifiers: Orphanet 140162, MedGen C0027672, MeSH D009386, MONDO:0015356.
Hereditary diffuse gastric adenocarcinoma (HDGC). Also called: DIFFUSE GASTRIC AND LOBULAR BREAST CANCER SYNDROME. Identifiers: Orphanet 26106, MedGen C1708349, MONDO:0007648, OMIM 137215.

Submissions (3):

Ambry Genetics
Classification: Likely benign for Hereditary cancer-predisposing syndrome. Last evaluated: 2026-01-27. Review status: criteria provided, single submitter. Criteria: Ambry Variant Classification Scheme 2023. Collection method: clinical testing. Allele origin: germline.

Labcorp Genetics (formerly Invitae), Labcorp
Classification: Likely benign. Last evaluated: 2025-09-15. Review status: criteria provided, single submitter. Criteria: Invitae Variant Classification Sherloc (09022015). Collection method: clinical testing. Allele origin: germline.

Myriad Genetics, Inc.
Classification: Benign for Hereditary diffuse gastric adenocarcinoma. Last evaluated: 2024-10-09. Review status: criteria provided, single submitter. Criteria: Myriad Autosomal Dominant, Autosomal Recessive and X-Linked Classification Criteria (2023). Collection method: clinical testing. Allele origin: unknown.
Comment: This variant is considered benign. This variant is a silent/synonymous amino acid change and it is not expected to impact splicing.